The following is an entry in ClinVar:

ClinVar aggregate classification (germline): Uncertain significance. Review status: criteria provided, multiple submitters, no conflicts (2 of 4 stars). 3 submissions from 3 submitters: Uncertain significance (3). Last evaluated 2026-03-03.

Conditions:
C19orf12-related disorder. Also called: C19orf12-related condition.
Hereditary spastic paraplegia 43. Also called: Spastic paraplegia 43, autosomal recessive. Identifiers: Orphanet 320370, MedGen C2680446, MONDO:0014024, OMIM 615043.

Allele frequency attached by ClinVar (database versions not stated): gnomAD exomes 0.00007 and 0.00012; gnomAD 0.00013 and 0.00014; ExAC 0.00014; TOPMed 0.00017; ESP Exome Variant Server 0.00033; 1000 Genomes Project 0.00040; 1000 Genomes Project 30x 0.00078.

Submissions (3):

PreventionGenetics, part of Exact Sciences
Classification: Uncertain significance for C19orf12-related condition. Last evaluated: 2026-03-03. Review status: criteria provided, single submitter. Criteria: ACMG Guidelines, 2015. Collection method: clinical testing. Allele origin: germline.
Comment: The C19orf12 c.154G>A variant is predicted to result in the amino acid substitution p.Val52Ile. To our knowledge, this variant has not been reported in the literature in individuals affected with C19orf12-related disorders. In vitro functional studies have shown that this missense variant does not alter the protein's subcellular localization (Landouré et al. 2013. PubMed ID: 23857908). This variant is reported in 0.034% of alleles in individuals of Latino descent in gnomAD. At this time, the clinical significance of this variant is uncertain due to the absence of conclusive functional and genetic evidence.

Labcorp Genetics (formerly Invitae), Labcorp
Classification: Uncertain significance for Hereditary spastic paraplegia 43. Last evaluated: 2024-10-17. Review status: criteria provided, single submitter. Criteria: Invitae Variant Classification Sherloc (09022015). Collection method: clinical testing. Allele origin: germline.
Comment: This sequence change replaces valine, which is neutral and non-polar, with isoleucine, which is neutral and non-polar, at codon 52 of the C19orf12 protein (p.Val52Ile). This variant is present in population databases (rs148797643, gnomAD 0.03%). This variant has not been reported in the literature in individuals affected with C19orf12-related conditions. ClinVar contains an entry for this variant (Variation ID: 469655). An algorithm developed to predict the effect of missense changes on protein structure and function outputs the following: PolyPhen-2: "Benign". The isoleucine amino acid residue is found in multiple mammalian species, which suggests that this missense change does not adversely affect protein function. Experimental studies have shown that this missense change does not substantially affect C19orf12 function (PMID: 23857908). In summary, the available evidence is currently insufficient to determine the role of this variant in disease. Therefore, it has been classified as a Variant of Uncertain Significance.

Baylor Genetics
Classification: Uncertain significance for Hereditary spastic paraplegia 43. Last evaluated: 2019-02-22. Review status: criteria provided, single submitter. Criteria: ACMG Guidelines, 2015. Collection method: clinical testing. Allele origin: unknown. Affected: yes.
Comment: This variant was determined to be of uncertain significance according to ACMG Guidelines, 2015 [PMID:25741868].

Literature cited by the submitters: PubMed 23857908 (cited by Labcorp Genetics (formerly Invitae), Labcorp).

NM_031448.6(C19orf12):c.121G>A (p.Val41Ile)

Gene: C19orf12 (chromosome 19 open reading frame 12; minus strand). Cytogenetic location: 19q12.
Variant type: single nucleotide variant.
Coding change: c.121G>A on transcript NM_031448.6 (MANE Select); coding-DNA position 121, G replaced by A.
Protein change: p.Val41Ile; replaces valine 41 with isoleucine.
Molecular consequence: missense variant. On other transcripts: 5 prime UTR variant (1), intron variant (2).
Genome position (GRCh38, 1-based): chr19:29,708,293, C>T on the plus strand (G>A on the coding strand, the complement: C19orf12 is on the minus strand). VCF-style: chr19-29708293-C-T. GRCh37 (hg19) VCF-style: chr19-30199200-C-T.
Other names: c.121G>A, p.Val41Ile (NM_001031726.4, NM_001256046.3, NM_001256047.2); c.-193G>A (NM_001282931.3); c.-32-5316G>A (NM_001282929.1, NM_001282930.3); short protein forms V41I, V52I.
Identifiers: ClinVar variation 469655 (VCV000469655.9), dbSNP rs148797643, ClinGen allele CA9351983.